The following is an entry in ClinVar:

ClinVar aggregate classification (germline): Uncertain significance (1 of 4 stars; one submission).

gnomAD v4.1: 3 of 1,613,290 alleles (0.00019%); highest among the groups gnomAD compares: Admixed American, 0.0017%; no homozygotes.

Submission:

Ambry Genetics
Classification: Uncertain significance. Last evaluated: 2026-01-13. Review status: criteria provided, single submitter. Criteria: Ambry Variant Classification Scheme 2023. Collection method: clinical testing. Allele origin: germline.
Comment: The p.R312H variant (also known as c.935G>A), located in coding exon 2 of the EGLN1 gene, results from a G to A substitution at nucleotide position 935. The arginine at codon 312 is replaced by histidine, an amino acid with highly similar properties. This amino acid position is highly conserved in available vertebrate species. In addition, the in silico prediction for this alteration is inconclusive. The evidence for this gene-disease relationship is limited; therefore, the clinical significance of this alteration is unclear.

NM_022051.3(EGLN1):c.935G>A (p.Arg312His)

Gene: EGLN1 (egl-9 family hypoxia inducible factor 1; minus strand). Cytogenetic location: 1q42.2.
Variant type: single nucleotide variant.
Coding change: c.935G>A on transcript NM_022051.3 (MANE Select); coding-DNA position 935, G replaced by A.
Protein change: p.Arg312His; replaces arginine 312 with histidine.
Molecular consequence: missense variant.
Genome position (GRCh38, 1-based): chr1:231,374,056, C>T on the plus strand (G>A on the coding strand, the complement: EGLN1 is on the minus strand). VCF-style: chr1-231374056-C-T. GRCh37 (hg19) VCF-style: chr1-231509802-C-T.
Other names: c.935G>A, p.Arg312His (NM_001377260.1, NM_001377261.1); short protein forms R312H.
Identifiers: ClinVar variation 4842508 (VCV004842508.1).